The following is an entry in ClinVar:

ClinVar aggregate classification (germline): Pathogenic/Likely pathogenic. Review status: criteria provided, multiple submitters, no conflicts (2 of 4 stars). 4 submissions from 4 submitters: Pathogenic (2); Likely pathogenic (1). 1 of the submissions does not count toward it. Last evaluated 2024-12-11.

Conditions:
Stickler syndrome type 1 (STL1). Also called: STICKLER SYNDROME, MEMBRANOUS VITREOUS TYPE; STICKLER SYNDROME, VITREOUS TYPE 1; COL2A1-Related Stickler Syndrome; ARTHROOPHTHALMOPATHY, HEREDITARY PROGRESSIVE. Identifiers: Orphanet 828, Orphanet 90653, MedGen C2020284, MONDO:0007160, OMIM 108300.
Kniest dysplasia. Identifiers: Orphanet 485, MedGen C0265279, MONDO:0007987, OMIM 156550.

Submissions (4):

Dasa
Classification: Likely pathogenic. Last evaluated: 2024-12-11. Review status: criteria provided, single submitter. Criteria: DASA Assertion Criteria. Collection method: clinical testing. Allele origin: germline.
Comment: NM_001844.5(COL2A1):c.1420-2A>G affects a canonical splice site and is predicted to disrupt normal RNA splicing. Loss of function is an established disease mechanism for COL2A1 (PMID: 27390512; PMID: 27408751; PMID: 17721977). This variant affects a canonical splice-site context with prior evidence supporting clinical relevance. This variant has been reported in individuals with COL2A1-related disorders. Also, this variant is absent from population databases. Based on the currently available evidence, this variant is classified as likely pathogenic.

Labcorp Genetics (formerly Invitae), Labcorp
Classification: Pathogenic. Last evaluated: 2022-05-15. Review status: criteria provided, single submitter. Criteria: Invitae Variant Classification Sherloc (09022015). Collection method: clinical testing. Allele origin: germline.
Comment: This sequence change affects an acceptor splice site in intron 22 of the COL2A1 gene. RNA analysis indicates that disruption of this splice site induces altered splicing and likely results in the loss of 6 amino acid residue(s), but is expected to preserve the integrity of the reading-frame. This variant is not present in population databases (gnomAD no frequency). Disruption of this splice site has been observed in individuals with Kniest dysplasia or spondyloepiphyseal dysplasia congenita (PMID: 7849719, 22791362). This variant is also known as IVS20-2A>G. ClinVar contains an entry for this variant (Variation ID: 17369). Studies have shown that disruption of this splice site results in the activation of a cryptic splice site in exon 23 (PMID: 7849719). This variant disrupts the triple helix domain of COL2A1. Glycine residues within the Gly-Xaa-Yaa repeats of the triple helix domain are required for the structure and stability of fibrillar collagens (PMID: 7695699, 8218237, 19344236). In COL2A1, variants affecting these glycine residues are significantly enriched in individuals with disease (PMID: 9016532, 17078022) compared to the general population (ExAC). For these reasons, this variant has been classified as Pathogenic.

Mendelics
Classification: Pathogenic for Stickler syndrome type 1. Last evaluated: 2022-05-04. Review status: criteria provided, single submitter. Criteria: Mendelics Assertion Criteria 2019. Collection method: clinical testing. Allele origin: germline.

OMIM
Classification: Pathogenic for KNIEST DYSPLASIA. Last evaluated: 1994-10-01. Review status: no assertion criteria provided. Collection method: literature only. Allele origin: germline. Not counted in ClinVar's aggregate classification.

Literature cited by the submitters: PubMed 7849719 (cited by 3 submitters); PubMed 27390512 (cited by Dasa); PubMed 27408751 (cited by Dasa); PubMed 17721977 (cited by Dasa); PubMed 22791362 (cited by Labcorp Genetics (formerly Invitae), Labcorp); PubMed 7695699 (cited by Labcorp Genetics (formerly Invitae), Labcorp); PubMed 8218237 (cited by Labcorp Genetics (formerly Invitae), Labcorp); PubMed 19344236 (cited by Labcorp Genetics (formerly Invitae), Labcorp); PubMed 9016532 (cited by Labcorp Genetics (formerly Invitae), Labcorp); PubMed 17078022 (cited by Labcorp Genetics (formerly Invitae), Labcorp).

NM_001844.5(COL2A1):c.1420-2A>G

Gene: COL2A1 (collagen type II alpha 1 chain; minus strand). Cytogenetic location: 12q13.11.
Variant type: single nucleotide variant.
Coding change: c.1420-2A>G on transcript NM_001844.5 (MANE Select); the canonical splice acceptor site of the intron before coding-DNA position 1420, A replaced by G.
Molecular consequence: splice acceptor variant.
Genome position (GRCh38, 1-based): chr12:47,986,445, T>C on the plus strand (A>G on the coding strand, the complement: COL2A1 is on the minus strand). VCF-style: chr12-47986445-T-C. GRCh37 (hg19) VCF-style: chr12-48380228-T-C.
Other names: IVS20, A-G, -2; c.1213-2A>G (NM_033150.3).
Identifiers: ClinVar variation 17369 (VCV000017369.9), dbSNP rs794727377, ClinGen allele CA384552989.
Genomic context (GRCh38, chr12:47,986,445, plus strand): 5'-GCACCTCTCTTGCCTTCTTCACCAGCGGGTCCAGGGGCTCCCTGGGGGCCAGCAGGGCCC[T>C]GAGGACCAGCAAAAAAGAGAAACAGAGTGAGCCTTCACCTGGCCTTGGAGCAAGCCTCGA-3'